The following is an entry in ClinVar:

ClinVar aggregate classification (germline): Uncertain significance. Review status: criteria provided, multiple submitters, no conflicts (2 of 4 stars). 3 submissions from 3 submitters: Uncertain significance (3). Last evaluated 2026-06-01.

Conditions:
Charcot-Marie-Tooth disease type 4A. Also called: Charcot-Marie-Tooth disease, demyelinating, autosomal recessive, type 4a. Identifiers: Orphanet 99948, MedGen C1859198, MONDO:0008961, OMIM 214400.

Submissions (3):

CeGaT Center for Human Genetics Tuebingen
Classification: Uncertain significance. Last evaluated: 2026-06-01. Review status: criteria provided, single submitter. Criteria: CeGaT Center For Human Genetics Tuebingen Variant Classification Criteria Version 2. Collection method: clinical testing. Allele origin: germline. Affected: yes. Observed: 1 variant allele.
Comment: GDAP1: PM2

GeneDx
Classification: Uncertain significance. Last evaluated: 2024-08-12. Review status: criteria provided, single submitter. Criteria: GeneDx Variant Classification Process June 2021. Collection method: clinical testing. Allele origin: germline. Affected: yes.
Comment: In silico analysis supports a deleterious effect on protein structure/function; Has not been previously published as pathogenic or benign to our knowledge; This variant is associated with the following publications: (PMID: 20849849)

Labcorp Genetics (formerly Invitae), Labcorp
Classification: Uncertain significance for Charcot-Marie-Tooth disease type 4A. Last evaluated: 2024-04-18. Review status: criteria provided, single submitter. Criteria: Invitae Variant Classification Sherloc (09022015). Collection method: clinical testing. Allele origin: germline.
Comment: This sequence change replaces serine, which is neutral and polar, with leucine, which is neutral and non-polar, at codon 169 of the GDAP1 protein (p.Ser169Leu). The frequency data for this variant in the population databases is considered unreliable, as metrics indicate poor data quality at this position in the gnomAD database. This variant has not been reported in the literature in individuals affected with GDAP1-related conditions. ClinVar contains an entry for this variant (Variation ID: 1026111). An algorithm developed to predict the effect of missense changes on protein structure and function (PolyPhen-2) suggests that this variant is likely to be tolerated. In summary, the available evidence is currently insufficient to determine the role of this variant in disease. Therefore, it has been classified as a Variant of Uncertain Significance.

NM_018972.4(GDAP1):c.506_507delinsTG (p.Ser169Leu)

Gene: GDAP1 (ganglioside induced differentiation associated protein 1; plus strand). Cytogenetic location: 8q21.11.
Variant type: Indel.
Coding change: c.506_507delinsTG on transcript NM_018972.4 (MANE Select); coding-DNA positions 506 to 507, CT replaced by TG.
Protein change: p.Ser169Leu; replaces serine 169 with leucine.
Molecular consequence: missense variant.
Genome position (GRCh38, 1-based): chr8:74,361,905-74,361,906, CT replaced by TG. VCF-style: chr8-74361905-CT-TG. GRCh37 (hg19) VCF-style: chr8-75274140-CT-TG.
Other names: c.302_303delinsTG, p.Ser101Leu (NM_001040875.4); c.179_180delinsTG, p.Ser60Leu (NM_001362929.2, NM_001362932.2); c.332_333delinsTG, p.Ser111Leu (NM_001362930.2); c.506_507delinsTG, p.Ser169Leu (NM_001362931.2); c.506_507delinsTG (NM_018972.2); short protein forms S101L, S111L, S169L, S60L.
Identifiers: ClinVar variation 1026111 (VCV001026111.9), dbSNP rs1809384050, ClinGen allele CA1794116637.